The following is an entry in ClinVar:

ClinVar aggregate classification (germline): Uncertain significance (1 of 4 stars; one submission).

Conditions:
Leber congenital amaurosis 6 (LCA6). Identifiers: Orphanet 65, MedGen C1854260, MONDO:0013446, OMIM 613826.
Cone-rod dystrophy 13 (CORD13). Identifiers: Orphanet 1872, MedGen C2750720, MONDO:0011987, OMIM 608194.

Allele frequency attached by ClinVar (database versions not stated): gnomAD exomes 0.00001; TOPMed 0.00001.
gnomAD v4.1: 16 of 1,606,750 alleles (0.001%); highest among the groups gnomAD compares: Non-Finnish European, 0.0014%; no homozygotes.

Submission:

Labcorp Genetics (formerly Invitae), Labcorp
Classification: Uncertain significance for Leber congenital amaurosis 6; Cone-rod dystrophy 13. Last evaluated: 2020-03-11. Review status: criteria provided, single submitter. Criteria: Invitae Variant Classification Sherloc (09022015). Collection method: clinical testing. Allele origin: germline.
Comment: In summary, the available evidence is currently insufficient to determine the role of this variant in disease. Therefore, it has been classified as a Variant of Uncertain Significance. Algorithms developed to predict the effect of sequence changes on RNA splicing suggest that this variant may create or strengthen a splice site, but this prediction has not been confirmed by published transcriptional studies. Algorithms developed to predict the effect of missense changes on protein structure and function (SIFT, PolyPhen-2, Align-GVGD) all suggest that this variant is likely to be tolerated, but these predictions have not been confirmed by published functional studies and their clinical significance is uncertain. This variant has not been reported in the literature in individuals with RPGRIP1-related conditions. This variant is not present in population databases (ExAC no frequency). This sequence change replaces leucine with arginine at codon 429 of the RPGRIP1 protein (p.Leu429Arg). The leucine residue is moderately conserved and there is a moderate physicochemical difference between leucine and arginine.

NM_020366.4(RPGRIP1):c.1286T>G (p.Leu429Arg)

Gene: RPGRIP1 (RPGR interacting protein 1; plus strand). Cytogenetic location: 14q11.2.
Variant type: single nucleotide variant.
Coding change: c.1286T>G on transcript NM_020366.4 (MANE Select); coding-DNA position 1286, T replaced by G.
Protein change: p.Leu429Arg; replaces leucine 429 with arginine.
Molecular consequence: missense variant.
Genome position (GRCh38, 1-based): chr14:21,317,830, T>G. VCF-style: chr14-21317830-T-G. GRCh37 (hg19) VCF-style: chr14-21785989-T-G.
Other names: c.212T>G, p.Leu71Arg (NM_001377523.1, NM_001377948.1, NM_001377949.1 and 1 more transcripts); short protein forms L429R, L71R.
Identifiers: ClinVar variation 1008358 (VCV001008358.8), dbSNP rs1052124836, ClinGen allele CA257535348.